The following is an entry in ClinVar:

ClinVar aggregate classification (germline): Uncertain significance. Review status: criteria provided, single submitter (1 of 4 stars). 2 submissions from 2 submitters: Uncertain significance (1). 1 of the submissions does not count toward it. Last evaluated 2022-08-05.

Conditions:
Congenital myasthenic syndrome (CMS). Also called: Congenital Myasthenic Syndromes. Identifiers: Orphanet 590, MedGen C0751882, MeSH D020294, MONDO:0018940.
Congenital myasthenic syndrome 4A. Also called: MYASTHENIC SYNDROME, CONGENITAL, 4A, SLOW-CHANNEL, AUTOSOMAL RECESSIVE; Myasthenic syndrome, congenital, 4a, slow-channel; CONGENITAL MYASTHENIC SYNDROME TYPE Ia1. Identifiers: Orphanet 590, MedGen C4225413, MONDO:0011600, OMIM 605809.

Submissions (2):

Labcorp Genetics (formerly Invitae), Labcorp
Classification: Uncertain significance for Congenital myasthenic syndrome 4A. Last evaluated: 2022-08-05. Review status: criteria provided, single submitter. Criteria: Invitae Variant Classification Sherloc (09022015). Collection method: clinical testing. Allele origin: germline.
Comment: In summary, the available evidence is currently insufficient to determine the role of this variant in disease. Therefore, it has been classified as a Variant of Uncertain Significance. Advanced modeling of protein sequence and biophysical properties (such as structural, functional, and spatial information, amino acid conservation, physicochemical variation, residue mobility, and thermodynamic stability) performed at Invitae indicates that this missense variant is not expected to disrupt CHRNE protein function. This variant has not been reported in the literature in individuals affected with CHRNE-related conditions. This variant is not present in population databases (gnomAD no frequency). This sequence change replaces arginine, which is basic and polar, with glycine, which is neutral and non-polar, at codon 481 of the CHRNE protein (p.Arg481Gly).

Natera, Inc.
Classification: Uncertain significance for Congenital myasthenic syndrome. Last evaluated: 2025-03-02. Review status: no assertion criteria provided. Collection method: clinical testing. Allele origin: germline. Not counted in ClinVar's aggregate classification.

NM_000080.4(CHRNE):c.1441C>G (p.Arg481Gly)

Gene: CHRNE (cholinergic receptor nicotinic epsilon subunit; minus strand). Cytogenetic location: 17p13.2.
Variant type: single nucleotide variant.
Coding change: c.1441C>G on transcript NM_000080.4 (MANE Select); coding-DNA position 1441, C replaced by G.
Protein change: p.Arg481Gly; replaces arginine 481 with glycine.
Molecular consequence: missense variant.
Genome position (GRCh38, 1-based): chr17:4,898,777, G>C on the plus strand (C>G on the coding strand, the complement: CHRNE is on the minus strand). VCF-style: chr17-4898777-G-C. GRCh37 (hg19) VCF-style: chr17-4802072-G-C.
Other names: c.1441C>G (NM_000080.3); short protein forms R481G.
Identifiers: ClinVar variation 2159155 (VCV002159155.5), dbSNP rs775550642, ClinGen allele CA397297346.